The following is an entry in ClinVar:

NM_145054.5(CFAP52):c.537-6A>C

Gene: CFAP52 (cilia and flagella associated protein 52; plus strand). Cytogenetic location: 17p13.1.
Variant type: single nucleotide variant.
Coding change: c.537-6A>C on transcript NM_145054.5 (MANE Select); 6 bases into the intron before coding-DNA position 537, A replaced by C.
Molecular consequence: intron variant.
Genome position (GRCh38, 1-based): chr17:9,598,228, A>C. VCF-style: chr17-9598228-A-C. GRCh37 (hg19) VCF-style: chr17-9501545-A-C.
Other names: c.333-6A>C (NM_001080556.2).
Identifiers: ClinVar variation 4982184 (VCV004982184.1).

ClinVar aggregate classification (germline): Likely benign (1 of 4 stars; one submission).

Conditions:
CFAP52-related disorder. Also called: CFAP52-related condition.

Submission:

PreventionGenetics, part of Exact Sciences
Classification: Likely benign for CFAP52-related condition. Last evaluated: 2024-11-01. Review status: criteria provided, single submitter. Criteria: ACMG Guidelines, 2015. Collection method: clinical testing. Allele origin: germline.
Comment: This variant is classified as likely benign based on ACMG/AMP sequence variant interpretation guidelines (Richards et al. 2015 PMID: 25741868, with internal and published modifications).